The following is an entry in ClinVar:

ClinVar aggregate classification (germline): Uncertain significance. Review status: criteria provided, multiple submitters, no conflicts (2 of 4 stars). 8 submissions from 8 submitters: Uncertain significance (8). Last evaluated 2025-11-21.

Conditions:
Cystic fibrosis (CF). Also called: MUCOVISCIDOSIS. Identifiers: Orphanet 586, MedGen C0010674, MONDO:0009061, OMIM 219700. Disease mechanism: loss of function.

Allele frequency attached by ClinVar (database versions not stated): gnomAD 0.00002; TOPMed 0.00002; ExAC 0.00003.
gnomAD v4.1: 18 of 1,526,170 alleles (0.0012%); highest among the groups gnomAD compares: Non-Finnish European, 0.0015%; no homozygotes.

Submissions (8):

Ambry Genetics
Classification: Uncertain significance for Cystic fibrosis. Last evaluated: 2025-11-21. Review status: criteria provided, single submitter. Criteria: Ambry Variant Classification Scheme 2023. Collection method: clinical testing. Allele origin: germline.
Comment: The c.2490+5G>T intronic variant results from a G to T substitution 5 nucleotides after coding exon 14 in the CFTR gene. This nucleotide position is well conserved in available vertebrate species. In silico splice site analysis predicts that this alteration will not have any significant effect on splicing. Based on the available evidence, the clinical significance of this variant remains unclear.

Women's Health and Genetics/Laboratory Corporation of America, LabCorp
Classification: Uncertain significance. Last evaluated: 2025-09-09. Review status: criteria provided, single submitter. Criteria: LabCorp Variant Classification Summary - May 2015. Collection method: clinical testing. Allele origin: germline.
Comment: Variant summary: CFTR c.2490+5G>T alters a conserved nucleotide located close to a canonical splice site and therefore could affect mRNA splicing, leading to a significantly altered protein sequence. Several computational tools predict a significant impact on normal splicing: One predict the variant abolishes a 5' splicing donor site. Three predict the variant weakens a 5' donor site. However, these predictions have yet to be confirmed by functional studies. The variant allele was found at a frequency of 1.1e-05 in 185558 control chromosomes. The available data on variant occurrences in the general population are insufficient to allow any conclusion about variant significance. c.2490+5G>T has been reported in the literature in individual a newborn screening cohort, without strong evidence for causality (Bozdogan_2021). These report(s) do not provide unequivocal conclusions about association of the variant with Cystic Fibrosis. To our knowledge, no experimental evidence demonstrating an impact on protein function has been reported. The following publication has been ascertained in the context of this evaluation (PMID: 33572515). ClinVar contains an entry for this variant (Variation ID: 288151). Based on the evidence outlined above, the variant was classified as uncertain significance.

ARUP Laboratories, Molecular Genetics and Genomics, ARUP Laboratories
Classification: Uncertain significance. Last evaluated: 2024-12-09. Review status: criteria provided, single submitter. Criteria: ARUP Molecular Germline Variant Investigation Process 2024. Collection method: clinical testing. Allele origin: germline.
Comment: The CFTR c.2490+5G>T variant (rs764466147; ClinVar Variation ID: 288151) is reported in the literature in an single individuals affected with cystic fibrosis, though no additional evidence of causality was presented (Bozdogan 2021). This variant is only observed on two alleles in the Genome Aggregation Database (v2.1.1), indicating it is not a common polymorphism. This is an intronic variant, and computational analyses (Alamut Visual Plus v.1.5.1) predict that this variant may impact splicing by weakening the nearby canonical donor splice site. However, given the lack of clinical and functional data, the significance of this variant is uncertain at this time. References: Bozdogan ST et al. Current Status of Genetic Diagnosis Laboratories and Frequency of Genetic Variants Associated with Cystic Fibrosis through a Newborn-Screening Program in Turkey. Genes (Basel). 2021 Jan 31;12(2):206. PMID: 33572515

Labcorp Genetics (formerly Invitae), Labcorp
Classification: Uncertain significance for Cystic fibrosis. Last evaluated: 2022-05-19. Review status: criteria provided, single submitter. Criteria: Invitae Variant Classification Sherloc (09022015). Collection method: clinical testing. Allele origin: germline.
Comment: This sequence change falls in intron 14 of the CFTR gene. It does not directly change the encoded amino acid sequence of the CFTR protein. It affects a nucleotide within the consensus splice site. The frequency data for this variant in the population databases is considered unreliable, as metrics indicate poor data quality at this position in the gnomAD database. This variant has not been reported in the literature in individuals affected with CFTR-related conditions. ClinVar contains an entry for this variant (Variation ID: 288151). Variants that disrupt the consensus splice site are a relatively common cause of aberrant splicing (PMID: 17576681, 9536098). Algorithms developed to predict the effect of sequence changes on RNA splicing suggest that this variant is not likely to affect RNA splicing. In summary, the available evidence is currently insufficient to determine the role of this variant in disease. Therefore, it has been classified as a Variant of Uncertain Significance.

Genome-Nilou Lab
Classification: Uncertain significance for Cystic fibrosis. Last evaluated: 2021-09-05. Review status: criteria provided, single submitter. Criteria: ACMG Guidelines, 2015. Collection method: clinical testing. Allele origin: germline. Affected: no.

CeGaT Center for Human Genetics Tuebingen
Classification: Uncertain significance. Last evaluated: 2020-01-01. Review status: criteria provided, single submitter. Criteria: CeGaT Center For Human Genetics Tuebingen Variant Classification Criteria Version 2. Collection method: clinical testing. Allele origin: germline. Affected: yes. Observed: 1 variant allele.

Quest Diagnostics Nichols Institute San Juan Capistrano
Classification: Uncertain significance. Last evaluated: 2018-06-13. Review status: criteria provided, single submitter. Criteria: Quest Diagnostics criteria. Collection method: clinical testing. Allele origin: germline.

Eurofins Ntd Llc (ga)
Classification: Uncertain significance. Last evaluated: 2016-06-17. Review status: criteria provided, single submitter. Criteria: EGL Classification Definitions 2015. Collection method: clinical testing. Allele origin: germline. Observed: 1 variant allele, 1 heterozygote.

Literature cited by the submitters: PubMed 33572515 (cited by Women's Health and Genetics/Laboratory Corporation of America, LabCorp); PubMed 17576681 (cited by Labcorp Genetics (formerly Invitae), Labcorp); PubMed 9536098 (cited by Labcorp Genetics (formerly Invitae), Labcorp).

NM_000492.4(CFTR):c.2490+5G>T

Gene: CFTR (CF transmembrane conductance regulator; plus strand). Cytogenetic location: 7q31.2.
Variant type: single nucleotide variant.
Coding change: c.2490+5G>T on transcript NM_000492.4 (MANE Select); 5 bases into the intron after coding-DNA position 2490, G replaced by T.
Molecular consequence: intron variant.
Genome position (GRCh38, 1-based): chr7:117,592,662, G>T. VCF-style: chr7-117592662-G-T. GRCh37 (hg19) VCF-style: chr7-117232716-G-T.
Identifiers: ClinVar variation 288151 (VCV000288151.56), dbSNP rs764466147, ClinGen allele CA4451192.
Genomic context (GRCh38, chr7:117,592,662, plus strand): 5'-TATCTCAAGAAACTGGCTTGGAAATAAGTGAAGAAATTAACGAAGAAGACTTAAAGGTAG[G>T]TATACATCGCTTGGGGGTATTTCACCCCACAGAATGCAATTGAGTAGAATGCAATATGTA-3'